The following is an entry in ClinVar:

ClinVar aggregate classification (germline): Uncertain significance (1 of 4 stars; one submission).

Allele frequency attached by ClinVar (database versions not stated): TOPMed below 0.00001.

Submission:

Labcorp Genetics (formerly Invitae), Labcorp
Classification: Uncertain significance. Last evaluated: 2023-08-24. Review status: criteria provided, single submitter. Criteria: Invitae Variant Classification Sherloc (09022015). Collection method: clinical testing. Allele origin: germline.
Comment: This variant is not present in population databases (gnomAD no frequency). This variant has not been reported in the literature in individuals affected with SCN3A-related conditions. ClinVar contains an entry for this variant (Variation ID: 1047675). Advanced modeling of protein sequence and biophysical properties (such as structural, functional, and spatial information, amino acid conservation, physicochemical variation, residue mobility, and thermodynamic stability) performed at Invitae indicates that this missense variant is expected to disrupt SCN3A protein function. In summary, the available evidence is currently insufficient to determine the role of this variant in disease. Therefore, it has been classified as a Variant of Uncertain Significance. This sequence change replaces valine, which is neutral and non-polar, with methionine, which is neutral and non-polar, at codon 260 of the SCN3A protein (p.Val260Met).

NM_006922.4(SCN3A):c.778G>A (p.Val260Met)

Gene: SCN3A (sodium voltage-gated channel alpha subunit 3; minus strand). Cytogenetic location: 2q24.3.
Variant type: single nucleotide variant.
Coding change: c.778G>A on transcript NM_006922.4 (MANE Select); coding-DNA position 778, G replaced by A.
Protein change: p.Val260Met; replaces valine 260 with methionine.
Molecular consequence: missense variant.
Genome position (GRCh38, 1-based): chr2:165,162,745, C>T on the plus strand (G>A on the coding strand, the complement: SCN3A is on the minus strand). VCF-style: chr2-165162745-C-T. GRCh37 (hg19) VCF-style: chr2-166019255-C-T.
Other names: c.778G>A, p.Val260Met (NM_001081676.2, NM_001081677.2); short protein forms V260M.
Identifiers: ClinVar variation 1047675 (VCV001047675.6), dbSNP rs1252699928, ClinGen allele CA349239270.